The following is an entry in ClinVar:

NM_000891.3(KCNJ2):c.174C>T (p.Phe58=)

Gene: KCNJ2 (potassium inwardly rectifying channel subfamily J member 2; plus strand). Cytogenetic location: 17q24.3.
Variant type: single nucleotide variant.
Coding change: c.174C>T on transcript NM_000891.3 (MANE Select); coding-DNA position 174, C replaced by T.
Protein change: p.Phe58=; no amino-acid change (phenylalanine 58 retained).
Molecular consequence: synonymous variant.
Genome position (GRCh38, 1-based): chr17:70,175,213, C>T. VCF-style: chr17-70175213-C-T. GRCh37 (hg19) VCF-style: chr17-68171354-C-T.
Other names: p.F58F:TTC>TTT.
Identifiers: ClinVar variation 137983 (VCV000137983.17), dbSNP rs587781006, ClinGen allele CA291730.

ClinVar aggregate classification (germline): Benign/Likely benign. Review status: criteria provided, multiple submitters, no conflicts (2 of 4 stars). 5 submissions from 5 submitters: Benign (2); Likely benign (3). Last evaluated 2026-06-01.

Conditions:
Cardiovascular phenotype. Identifiers: MedGen CN230736.
Short QT syndrome type 3. Identifiers: Orphanet 51083, MedGen C1865018, MONDO:0012314, OMIM 609622.
Andersen Tawil syndrome (LQT7). Also called: Andersen Syndrome; Potassium-sensitive periodic paralysis, ventricular ectopy, and dysmorphic features; PERIODIC PARALYSIS, POTASSIUM-SENSITIVE CARDIODYSRHYTHMIC TYPE; LONG QT SYNDROME 7; ANDERSEN CARDIODYSRHYTHMIC PERIODIC PARALYSIS. Identifiers: Orphanet 37553, MedGen C1563715, MONDO:0008222, OMIM 170390.

Allele frequency attached by ClinVar (database versions not stated): TOPMed 0.00003; gnomAD exomes 0.00007 and 0.00014; ExAC 0.00009.
gnomAD v4.1: 39 of 1,614,208 alleles (0.0024%); highest among the groups gnomAD compares: Admixed American, 0.065%; no homozygotes.

Submissions (5):

CeGaT Center for Human Genetics Tuebingen
Classification: Likely benign. Last evaluated: 2026-06-01. Review status: criteria provided, single submitter. Criteria: CeGaT Center For Human Genetics Tuebingen Variant Classification Criteria Version 2. Collection method: clinical testing. Allele origin: germline. Affected: yes. Observed: 1 variant allele.
Comment: KCNJ2: BP4, BP7

Labcorp Genetics (formerly Invitae), Labcorp
Classification: Likely benign for Short QT syndrome type 3; Andersen Tawil syndrome. Last evaluated: 2025-12-15. Review status: criteria provided, single submitter. Criteria: Invitae Variant Classification Sherloc (09022015). Collection method: clinical testing. Allele origin: germline.

Women's Health and Genetics/Laboratory Corporation of America, LabCorp
Classification: Benign. Last evaluated: 2017-01-16. Review status: criteria provided, single submitter. Criteria: LabCorp Variant Classification Summary - May 2015. Collection method: clinical testing. Allele origin: germline.
Comment: Variant summary: The KCNJ2 c.174C>T (p.Phe58Phe) variant involves the alteration of a non-conserved nucleotide, resulting in a synonymous change. One in silico tool predicts a damaging outcome for this variant. 5/5 splice prediction tools predict no significant impact on normal splicing. ESE finder predicts that this variant may affect ESE site of SRp55. However, these predictions have yet to be confirmed by functional studies. This variant was found in 11/121408 control chromosomes,exclusively observed in the Latino subpopulation at a frequency of 0.0009502 (11/11576). This frequency is about 95 times the estimated maximal expected allele frequency of a pathogenic KCNJ2 variant (0.00001), suggesting this is likely a benign polymorphism found primarily in the populations of Latino origin. In addition, multiple clinical diagnostic laboratories classified this variant as benign/likely benign. The variant of interest has not, to our knowledge, been reported in affected individuals via publications and/or reputable databases/clinical diagnostic laboratories; nor evaluated for functional impact by in vivo/vitro studies. Taken together, this variant is classified as benign.

Ambry Genetics
Classification: Likely benign for Cardiovascular phenotype. Last evaluated: 2016-06-21. Review status: criteria provided, single submitter. Criteria: Ambry Variant Classification Scheme 2023. Collection method: clinical testing. Allele origin: germline.

GeneDx
Classification: Benign. Last evaluated: 2013-08-08. Review status: criteria provided, single submitter. Criteria: GeneDx Variant Classification (06012015). Collection method: clinical testing. Allele origin: germline. Affected: yes.
Comment: This variant is considered likely benign or benign based on one or more of the following criteria: it is a conservative change, it occurs at a poorly conserved position in the protein, it is predicted to be benign by multiple in silico algorithms, and/or has population frequency not consistent with disease.